The following is an entry in ClinVar:

NM_000518.5(HBB):c.288G>C (p.Lys96Asn)

Genes: HBB (hemoglobin subunit beta; minus strand), LOC106099062 (HBB recombination region; plus strand), LOC107133510 (origin of replication at HBB; plus strand). Cytogenetic location: 11p15.4.
Variant type: single nucleotide variant.
Coding change: c.288G>C on transcript NM_000518.5 (MANE Select); coding-DNA position 288, G replaced by C.
Protein change: p.Lys96Asn; replaces lysine 96 with asparagine.
Molecular consequence: missense variant.
Genome position (GRCh38, 1-based): chr11:5,226,604, C>G on the plus strand (G>C on the coding strand, the complement: HBB is on the minus strand). VCF-style: chr11-5226604-C-G. GRCh37 (hg19) VCF-style: chr11-5247834-C-G.
Other names: K95N; c.288G>C (NM_000518.4); short protein forms K96N.
Identifiers: ClinVar variation 15157 (VCV000015157.4), dbSNP rs36038739, ClinGen allele CA124830.
Genomic context (GRCh38, chr11:5,226,604, plus strand): 5'-GGAAAGAAAACATCAAGCGTCCCATAGACTCACCCTGAAGTTCTCAGGATCCACGTGCAG[C>G]TTGTCACAGTGCAGCTCACTCAGTGTGGCAAAGGTGCCCTTGAGGTTGTCCAGGTGAGCC-3'
Protein context (NP_000509.1, residues 86-106): FATLSELHCD[Lys96Asn]LHVDPENFRL

ClinVar aggregate classification (germline): Uncertain significance. Review status: criteria provided, multiple submitters, no conflicts (2 of 4 stars). 3 submissions from 3 submitters: Uncertain significance (2). 1 of the submissions does not count toward it. Last evaluated 2024-04-09.

Conditions:
Hb SS disease (SCD). Also called: Hemoglobin SS; Sickle cell anemia; Sickle cell disease; HbS disease; Hemoglobin S Disease; Sickling disorder due to hemoglobin S. Identifiers: Orphanet 232, Orphanet 275752, MedGen C0002895, MONDO:0011382, OMIM 603903.
Heinz body anemia. Also called: Heinz body hemolytic anemia. Identifiers: Orphanet 178330, MedGen C0700299, MONDO:0007705, OMIM 140700, HP:0005511.
Dominant beta-thalassemia. Also called: Beta-thalassemia, dominant inclusion body type. Identifiers: Orphanet 231226, Orphanet 848, MedGen C1858990, MONDO:0011381, OMIM 603902.
Beta-thalassemia HBB/LCRB. Identifiers: MedGen CN322236, MONDO:0013517, OMIM 613985.
Erythrocytosis, familial, 6. Also called: POLYCYTHEMIA, BETA-GLOBIN TYPE; ERYTHROCYTOSIS, BETA-GLOBIN TYPE. Identifiers: MedGen C4693822, MONDO:0054801, OMIM 617980.
METHEMOGLOBINEMIA, BETA TYPE. Also called: Methemoglobinemia, beta-globin type. Identifiers: MedGen C1840779, OMIM 617971.
Malaria, susceptibility to. Identifiers: Orphanet 673, MedGen C1970028, MONDO:0021024, OMIM 611162.
Hereditary persistence of fetal hemoglobin. Identifiers: MedGen C0019025, MONDO:0020989, OMIM 141749.
HEMOGLOBIN DETROIT.

Submissions (3):

Fulgent Genetics
Classification: Uncertain significance for Heinz body anemia; Hereditary persistence of fetal hemoglobin; Dominant beta-thalassemia; Hb SS disease; Malaria, susceptibility to; Beta-thalassemia HBB/LCRB; METHEMOGLOBINEMIA, BETA TYPE; Erythrocytosis, familial, 6. Last evaluated: 2024-04-09. Review status: criteria provided, single submitter. Criteria: ACMG Guidelines, 2015. Collection method: clinical testing. Allele origin: germline.

Quest Diagnostics Nichols Institute San Juan Capistrano
Classification: Uncertain significance. Last evaluated: 2023-08-21. Review status: criteria provided, single submitter. Criteria: Quest Diagnostics criteria. Collection method: clinical testing. Allele origin: unknown.
Comment: The HBB c.288G>C (p.Lys96Asn) variant has been reported in the published literature to have oxygen affinity similar to Hb A, along with no changes in cooperativity or in the Bohr effect (PMID: 2513289 (1989)). This variant has not been reported in large, multi-ethnic general populations (Genome Aggregation Database). Analysis of this variant using bioinformatics tools for the prediction of the effect of amino acid changes on protein structure and function yielded predictions that this variant is damaging. Based on the available information, we are unable to determine the clinical significance of this variant.

OMIM
Classification: other for HEMOGLOBIN DETROIT. Last evaluated: 2017-12-12. Review status: no assertion criteria provided. Collection method: literature only. Allele origin: germline. Not counted in ClinVar's aggregate classification.

Literature cited by the submitters: PubMed 2513289 (cited by Quest Diagnostics Nichols Institute San Juan Capistrano); PubMed 7397380 (cited by OMIM).